The following is an entry in ClinVar:

ClinVar aggregate classification (germline): Uncertain significance. Review status: criteria provided, multiple submitters, no conflicts (2 of 4 stars). 2 submissions from 2 submitters: Uncertain significance (2). Last evaluated 2025-02-28.

Conditions:
Inborn genetic diseases. Identifiers: MedGen C0950123, MeSH D030342.

Allele frequency attached by ClinVar (database versions not stated): gnomAD 0.00001; TOPMed 0.00001.
gnomAD v4.1: 2 of 1,604,802 alleles (0.00012%); highest among the groups gnomAD compares: Admixed American, 0.0017%; no homozygotes.

Submissions (2):

Ambry Genetics
Classification: Uncertain significance for Inborn genetic diseases. Last evaluated: 2025-02-28. Review status: criteria provided, single submitter. Criteria: Ambry Variant Classification Scheme 2023. Collection method: clinical testing. Allele origin: germline.

Labcorp Genetics (formerly Invitae), Labcorp
Classification: Uncertain significance. Last evaluated: 2023-06-19. Review status: criteria provided, single submitter. Criteria: Invitae Variant Classification Sherloc (09022015). Collection method: clinical testing. Allele origin: germline.
Comment: Advanced modeling of protein sequence and biophysical properties (such as structural, functional, and spatial information, amino acid conservation, physicochemical variation, residue mobility, and thermodynamic stability) performed at Invitae indicates that this missense variant is expected to disrupt C7 protein function. In summary, the available evidence is currently insufficient to determine the role of this variant in disease. Therefore, it has been classified as a Variant of Uncertain Significance. ClinVar contains an entry for this variant (Variation ID: 1983951). This variant has not been reported in the literature in individuals affected with C7-related conditions. This variant is present in population databases (no rsID available, gnomAD no frequency). This sequence change replaces cysteine, which is neutral and slightly polar, with arginine, which is basic and polar, at codon 545 of the C7 protein (p.Cys545Arg).

NM_000587.4(C7):c.1633T>C (p.Cys545Arg)

Gene: C7 (complement C7; plus strand). Cytogenetic location: 5p13.1.
Variant type: single nucleotide variant.
Coding change: c.1633T>C on transcript NM_000587.4 (MANE Select); coding-DNA position 1633, T replaced by C.
Protein change: p.Cys545Arg; replaces cysteine 545 with arginine.
Molecular consequence: missense variant.
Genome position (GRCh38, 1-based): chr5:40,959,592, T>C. VCF-style: chr5-40959592-T-C. GRCh37 (hg19) VCF-style: chr5-40959694-T-C.
Other names: short protein forms C545R.
Identifiers: ClinVar variation 1983951 (VCV001983951.3), dbSNP rs1201015021, ClinGen allele CA359588454.
Genomic context (GRCh38, chr5:40,959,592, plus strand): 5'-AACCCACCTCCCAGTGGGGGTGGGAGATCCTGCGTTGGAGAAACGACAGAAAGCACACAA[T>C]GCGAAGATGAGGAGCTGGAGCACTTGAGGTAATGGAGACCCGACCCCCTGGCAGTTGCAT-3'
Protein context (NP_000578.2, residues 535-555): CVGETTESTQ[Cys545Arg]EDEELEHLRL